The following is an entry in ClinVar:

ClinVar aggregate classification (germline): Uncertain significance. Review status: criteria provided, multiple submitters, no conflicts (2 of 4 stars). 6 submissions from 6 submitters: Uncertain significance (6). Last evaluated 2026-01-06.

Conditions:
Hereditary cancer-predisposing syndrome. Also called: Tumor predisposition; Hereditary neoplastic syndrome; Neoplastic Syndromes, Hereditary; Hereditary Cancer Syndrome. Identifiers: Orphanet 140162, MedGen C0027672, MeSH D009386, MONDO:0015356.
Hereditary pheochromocytoma and paraganglioma. Also called: Hereditary paragangliomas and pheochromocytomas; Hereditary Paraganglioma-Pheochromocytoma Syndromes; Hereditary pheochromocytoma-paraganglioma. Identifiers: Orphanet 29072, MedGen C4274332, MONDO:0017366.
Pheochromocytoma. Also called: MAX-Related Hereditary Paraganglioma-Pheochromocytoma Syndrome. Identifiers: Orphanet 29072, MedGen C0031511, MONDO:0008233, OMIM 171300, HP:0002666.

Allele frequency attached by ClinVar (database versions not stated): ExAC 0.00002; gnomAD 0.00002; gnomAD exomes 0.00002 and 0.00003; TOPMed 0.00002.
gnomAD v4.1: 52 of 1,614,048 alleles (0.0032%); highest among the groups gnomAD compares: Middle Eastern, 0.016%; no homozygotes.

Submissions (6):

Labcorp Genetics (formerly Invitae), Labcorp
Classification: Uncertain significance for Hereditary pheochromocytoma and paraganglioma. Last evaluated: 2026-01-06. Review status: criteria provided, single submitter. Criteria: Invitae Variant Classification Sherloc (09022015). Collection method: clinical testing. Allele origin: germline.
Comment: This sequence change replaces methionine, which is neutral and non-polar, with valine, which is neutral and non-polar, at codon 85 of the TMEM127 protein (p.Met85Val). This variant is present in population databases (rs771261665, gnomAD 0.006%). This missense change has been observed in individual(s) with mesothelioma (PMID: 29625052). ClinVar contains an entry for this variant (Variation ID: 186566). An algorithm developed to predict the effect of missense changes on protein structure and function (PolyPhen-2) suggests that this variant is likely to be tolerated. In summary, the available evidence is currently insufficient to determine the role of this variant in disease. Therefore, it has been classified as a Variant of Uncertain Significance.

Quest Diagnostics Nichols Institute San Juan Capistrano
Classification: Uncertain significance. Last evaluated: 2025-05-13. Review status: criteria provided, single submitter. Criteria: Quest Diagnostics criteria. Collection method: clinical testing. Allele origin: unknown.
Comment: The TMEM127 c.253A>G (p.Met85Val) variant has been reported in the published literature in in individuals with mesothelioma and thyroid cancer (PMID: 29625052 (2018), 36451132 (2022)). This variant has also been identified in an individual who as high risk for hereditary breast and ovarian cancer (HBOC) syndrome (PMID: 38874686 (2024)). The frequency of this variant in the general population (Genome Aggregation Database) is uninformative in the assessment of its pathogenicity. Analysis of this variant using bioinformatics tools for the prediction of the effect of amino acid changes on protein structure and function yielded predictions that this variant is benign. Based on the available information, we are unable to determine the clinical significance of this variant.

Ambry Genetics
Classification: Uncertain significance for Hereditary cancer-predisposing syndrome. Last evaluated: 2024-09-02. Review status: criteria provided, single submitter. Criteria: Ambry Variant Classification Scheme 2023. Collection method: clinical testing. Allele origin: germline.
Comment: The p.M85V variant (also known as c.253A>G), located in coding exon 2 of the TMEM127 gene, results from an A to G substitution at nucleotide position 253. The methionine at codon 85 is replaced by valine, an amino acid with highly similar properties. This amino acid position is well conserved in available vertebrate species. In addition, this alteration is predicted to be tolerated by in silico analysis. Based on the available evidence, the clinical significance of this variant remains unclear.

Baylor Genetics
Classification: Uncertain significance for Pheochromocytoma. Last evaluated: 2024-01-06. Review status: criteria provided, single submitter. Criteria: ACMG Guidelines, 2015. Collection method: clinical testing. Allele origin: unknown.

Genetic Services Laboratory, University of Chicago
Classification: Uncertain significance. Last evaluated: 2019-12-05. Review status: criteria provided, single submitter. Criteria: ACMG Guidelines, 2015. Collection method: clinical testing. Allele origin: germline. Affected: no.

ARUP Laboratories, Molecular Genetics and Genomics, ARUP Laboratories
Classification: Uncertain significance. Last evaluated: 2018-01-02. Review status: criteria provided, single submitter. Criteria: ARUP Molecular Germline Variant Investigation Process. Collection method: clinical testing. Allele origin: germline.

Literature cited by the submitters: PubMed 29625052 (cited by Labcorp Genetics (formerly Invitae), Labcorp and Quest Diagnostics Nichols Institute San Juan Capistrano); PubMed 38874686 (cited by Quest Diagnostics Nichols Institute San Juan Capistrano); PubMed 36451132 (cited by Quest Diagnostics Nichols Institute San Juan Capistrano).

NM_017849.4(TMEM127):c.253A>G (p.Met85Val)

Gene: TMEM127 (transmembrane protein 127; minus strand). Cytogenetic location: 2q11.2.
Variant type: single nucleotide variant.
Coding change: c.253A>G on transcript NM_017849.4 (MANE Select); coding-DNA position 253, A replaced by G.
Protein change: p.Met85Val; replaces methionine 85 with valine.
Molecular consequence: missense variant.
Genome position (GRCh38, 1-based): chr2:96,254,989, T>C on the plus strand (A>G on the coding strand, the complement: TMEM127 is on the minus strand). VCF-style: chr2-96254989-T-C. GRCh37 (hg19) VCF-style: chr2-96920727-T-C.
Other names: c.253A>G, p.Met85Val (NM_001193304.3); short protein forms M85V.
Identifiers: ClinVar variation 186566 (VCV000186566.26), dbSNP rs771261665, ClinGen allele CA195188.